The following is an entry in ClinVar:

ClinVar aggregate classification (germline): Likely pathogenic (1 of 4 stars; one submission).

Conditions:
Renal cysts and diabetes syndrome (RCAD). Also called: Familial hypoplastic, glomerulocystic kidney; MATURITY-ONSET DIABETES OF THE YOUNG, TYPE 5. Identifiers: Orphanet 93111, MedGen C0431693, MONDO:0007669, OMIM 137920.

Submission:

MVZ Medizinische Genetik Mainz
Classification: Likely pathogenic for Renal cysts and diabetes syndrome. Last evaluated: 2022-09-12. Review status: criteria provided, single submitter. Criteria: UK Practice Guidelines For Variant Classification V4 01 2020. Collection method: clinical testing. Allele origin: germline. Inheritance: Autosomal dominant inheritance. Affected: yes. Observed: 1 variant allele.
Comment: ACMG Criteria: PM5, PM2_SUP, PP2, PP3, PP4

NM_000458.4(HNF1B):c.461T>G (p.Leu154Arg)

Gene: HNF1B (HNF1 homeobox B; minus strand). Cytogenetic location: 17q12.
Variant type: single nucleotide variant.
Coding change: c.461T>G on transcript NM_000458.4 (MANE Select); coding-DNA position 461, T replaced by G.
Protein change: p.Leu154Arg; replaces leucine 154 with arginine.
Molecular consequence: missense variant.
Genome position (GRCh38, 1-based): chr17:37,739,523, A>C on the plus strand (T>G on the coding strand, the complement: HNF1B is on the minus strand). VCF-style: chr17-37739523-A-C. GRCh37 (hg19) VCF-style: chr17-36099514-A-C.
Other names: c.461T>G, p.Leu154Arg (NM_001165923.4, NM_001304286.2, NM_001411100.1); short protein forms L154R.
Identifiers: ClinVar variation 3066113 (VCV003066113.1), dbSNP rs2511829039, ClinGen allele CA398751362.